The following is an entry in ClinVar:

NM_001365951.3(KIF1B):c.5099C>T (p.Ser1700Leu)

Gene: KIF1B (kinesin family member 1B; plus strand). Cytogenetic location: 1p36.22.
Variant type: single nucleotide variant.
Coding change: c.5099C>T on transcript NM_001365951.3 (MANE Select); coding-DNA position 5099, C replaced by T.
Protein change: p.Ser1700Leu; replaces serine 1700 with leucine.
Molecular consequence: missense variant.
Genome position (GRCh38, 1-based): chr1:10,374,856, C>T. VCF-style: chr1-10374856-C-T. GRCh37 (hg19) VCF-style: chr1-10434914-C-T.
Other names: c.5099C>T, p.Ser1700Leu (NM_001365952.1); c.4961C>T, p.Ser1654Leu (NM_015074.3); short protein forms S1654L, S1700L.
Identifiers: ClinVar variation 1744420 (VCV001744420.5), dbSNP rs767817087, ClinGen allele CA582275.
Genomic context (GRCh38, chr1:10,374,856, plus strand): 5'-TCAGCACGATTATTTTCTTTTTGTGAGAAACTAACTTTTGTCATATTGTCGTTTTTAGCT[C>T]AGTGGTCTCTAAGAAAGGATACCTTCATTTCAAGGAGCCTCTTTACAGTAACTGGGCTAA-3'
Protein context (NP_001352880.1, residues 1690-1710): VPDIEEIRPS[Ser1700Leu]VVSKKGYLHF

ClinVar aggregate classification (germline): Uncertain significance. Review status: criteria provided, multiple submitters, no conflicts (2 of 4 stars). 2 submissions from 2 submitters: Uncertain significance (2). Last evaluated 2024-01-16.

Conditions:
Charcot-Marie-Tooth disease type 2. Also called: Charcot-Marie-Tooth type 2. Identifiers: Orphanet 64746, MedGen C0270914, MONDO:0018993.

Allele frequency attached by ClinVar (database versions not stated): gnomAD exomes below 0.00001; TOPMed below 0.00001; ExAC 0.00001.
gnomAD v4.1: 2 of 1,613,674 alleles (0.00012%); highest among the groups gnomAD compares: Admixed American, 0.0033%; no homozygotes.

Submissions (2):

Labcorp Genetics (formerly Invitae), Labcorp
Classification: Uncertain significance for Charcot-Marie-Tooth disease type 2. Last evaluated: 2024-01-16. Review status: criteria provided, single submitter. Criteria: Invitae Variant Classification Sherloc (09022015). Collection method: clinical testing. Allele origin: germline.
Comment: This sequence change replaces serine, which is neutral and polar, with leucine, which is neutral and non-polar, at codon 1654 of the KIF1B protein (p.Ser1654Leu). This variant is present in population databases (rs767817087, gnomAD 0.006%). This variant has not been reported in the literature in individuals affected with KIF1B-related conditions. ClinVar contains an entry for this variant (Variation ID: 1744420). An algorithm developed to predict the effect of missense changes on protein structure and function (PolyPhen-2) suggests that this variant is likely to be disruptive. In summary, the available evidence is currently insufficient to determine the role of this variant in disease. Therefore, it has been classified as a Variant of Uncertain Significance.

Ambry Genetics
Classification: Uncertain significance. Last evaluated: 2021-10-06. Review status: criteria provided, single submitter. Criteria: Ambry Variant Classification Scheme 2023. Collection method: clinical testing. Allele origin: germline.
Comment: The p.S1654L variant (also known as c.4961C>T), located in coding exon 44 of the KIF1B gene, results from a C to T substitution at nucleotide position 4961. The serine at codon 1654 is replaced by leucine, an amino acid with dissimilar properties. This amino acid position is well conserved in available vertebrate species. In addition, this alteration is predicted to be tolerated by in silico analysis. Since supporting evidence is limited at this time, the clinical significance of this alteration remains unclear.